The following is an entry in ClinVar:

NM_004525.3(LRP2):c.6950G>C (p.Arg2317Thr)

Gene: LRP2 (LDL receptor related protein 2; minus strand). Cytogenetic location: 2q31.1.
Variant type: single nucleotide variant.
Coding change: c.6950G>C on transcript NM_004525.3 (MANE Select); coding-DNA position 6950, G replaced by C.
Protein change: p.Arg2317Thr; replaces arginine 2317 with threonine.
Molecular consequence: missense variant.
Genome position (GRCh38, 1-based): chr2:169,206,770, C>G on the plus strand (G>C on the coding strand, the complement: LRP2 is on the minus strand). VCF-style: chr2-169206770-C-G. GRCh37 (hg19) VCF-style: chr2-170063280-C-G.
Other names: short protein forms R2317T.
Identifiers: ClinVar variation 1910156 (VCV001910156.3), dbSNP rs1465445341, ClinGen allele CA349171888.

ClinVar aggregate classification (germline): Uncertain significance. Review status: criteria provided, multiple submitters, no conflicts (2 of 4 stars). 2 submissions from 2 submitters: Uncertain significance (2). Last evaluated 2024-05-03.

Allele frequency attached by ClinVar (database versions not stated): TOPMed below 0.00001.
gnomAD v4.1: 4 of 1,614,168 alleles (0.00025%); highest among the groups gnomAD compares: Non-Finnish European, 0.00034%; no homozygotes.

Submissions (2):

Blueprint Genetics
Classification: Uncertain significance. Last evaluated: 2024-05-03. Review status: criteria provided, single submitter. Criteria: ACMG Guidelines, 2015. Collection method: clinical testing. Allele origin: germline.

Labcorp Genetics (formerly Invitae), Labcorp
Classification: Uncertain significance. Last evaluated: 2022-07-19. Review status: criteria provided, single submitter. Criteria: Invitae Variant Classification Sherloc (09022015). Collection method: clinical testing. Allele origin: germline.
Comment: This sequence change replaces arginine, which is basic and polar, with threonine, which is neutral and polar, at codon 2317 of the LRP2 protein (p.Arg2317Thr). This variant is present in population databases (no rsID available, gnomAD 0.0009%). This variant has not been reported in the literature in individuals affected with LRP2-related conditions. Advanced modeling of protein sequence and biophysical properties (such as structural, functional, and spatial information, amino acid conservation, physicochemical variation, residue mobility, and thermodynamic stability) performed at Invitae indicates that this missense variant is expected to disrupt LRP2 protein function. In summary, the available evidence is currently insufficient to determine the role of this variant in disease. Therefore, it has been classified as a Variant of Uncertain Significance.